The following is an entry in ClinVar:

NM_002156.5(HSPD1):c.662G>A (p.Arg221Gln)

Gene: HSPD1 (heat shock protein family D (Hsp60) member 1; minus strand). Cytogenetic location: 2q33.1.
Variant type: single nucleotide variant.
Coding change: c.662G>A on transcript NM_002156.5 (MANE Select); coding-DNA position 662, G replaced by A.
Protein change: p.Arg221Gln; replaces arginine 221 with glutamine.
Molecular consequence: missense variant.
Genome position (GRCh38, 1-based): chr2:197,494,195, C>T on the plus strand (G>A on the coding strand, the complement: HSPD1 is on the minus strand). VCF-style: chr2-197494195-C-T. GRCh37 (hg19) VCF-style: chr2-198358919-C-T.
Other names: c.662G>A, p.Arg221Gln (NM_199440.2); short protein forms R221Q.
Identifiers: ClinVar variation 898732 (VCV000898732.46), dbSNP rs140261894, ClinGen allele CA2043544.
Genomic context (GRCh38, chr2:197,494,195, plus strand): 5'-TCAGTTATTGATTTGTTCTTACCTTTTGATGTATTAATAAAGTATGGAGAAATATAGCCT[C>T]GATCAAACTTCATGCCTTCAATAATTTCTAATTCATCATTCAGTGTTTTTCCATCCTATG-3'
Protein context (NP_002147.2, residues 211-231): LEIIEGMKFD[Arg221Gln]GYISPYFINT

ClinVar aggregate classification (germline): Uncertain significance. Review status: criteria provided, multiple submitters, no conflicts (2 of 4 stars). 3 submissions from 3 submitters: Uncertain significance (3). Last evaluated 2023-07-21.

Conditions:
Spastic paraplegia. Identifiers: MedGen C0037772, HP:0001258.
Hereditary spastic paraplegia 13 (SPG13). Also called: SPASTIC PARAPLEGIA 13, AUTOSOMAL DOMINANT; Spastic paraplegia 13. Identifiers: Orphanet 100994, MedGen C1854467, MONDO:0011532, OMIM 605280.

Allele frequency attached by ClinVar (database versions not stated): gnomAD exomes 0.00001 and 0.00002; ExAC 0.00003; TOPMed 0.00003; gnomAD 0.00005; ESP Exome Variant Server 0.00008.
gnomAD v4.1: 39 of 1,546,738 alleles (0.0025%); highest among the groups gnomAD compares: African/African-American, 0.0054%; no homozygotes.

Submissions (3):

Labcorp Genetics (formerly Invitae), Labcorp
Classification: Uncertain significance for Spastic paraplegia. Last evaluated: 2023-07-21. Review status: criteria provided, single submitter. Criteria: Invitae Variant Classification Sherloc (09022015). Collection method: clinical testing. Allele origin: germline.
Comment: Advanced modeling of protein sequence and biophysical properties (such as structural, functional, and spatial information, amino acid conservation, physicochemical variation, residue mobility, and thermodynamic stability) performed at Invitae indicates that this missense variant is not expected to disrupt HSPD1 protein function. In summary, the available evidence is currently insufficient to determine the role of this variant in disease. Therefore, it has been classified as a Variant of Uncertain Significance. ClinVar contains an entry for this variant (Variation ID: 898732). This variant has not been reported in the literature in individuals affected with HSPD1-related conditions. This variant is present in population databases (rs140261894, gnomAD 0.008%). This sequence change replaces arginine, which is basic and polar, with glutamine, which is neutral and polar, at codon 221 of the HSPD1 protein (p.Arg221Gln).

CeGaT Center for Human Genetics Tuebingen
Classification: Uncertain significance. Last evaluated: 2021-08-01. Review status: criteria provided, single submitter. Criteria: CeGaT Center For Human Genetics Tuebingen Variant Classification Criteria Version 2. Collection method: clinical testing. Allele origin: germline. Affected: yes. Observed: 1 variant allele.

Illumina Laboratory Services, Illumina
Classification: Uncertain significance for Hereditary spastic paraplegia 13. Last evaluated: 2018-01-12. Review status: criteria provided, single submitter. Criteria: ICSL Variant Classification Criteria 13 December 2019. Collection method: clinical testing. Allele origin: germline.